The following is an entry in ClinVar:

NM_001171.6(ABCC6):c.3460G>A (p.Val1154Ile)

Gene: ABCC6 (ATP binding cassette subfamily C member 6; minus strand). Cytogenetic location: 16p13.11.
Variant type: single nucleotide variant.
Coding change: c.3460G>A on transcript NM_001171.6 (MANE Select); coding-DNA position 3460, G replaced by A.
Protein change: p.Val1154Ile; replaces valine 1154 with isoleucine.
Molecular consequence: missense variant.
Genome position (GRCh38, 1-based): chr16:16,163,039, C>T on the plus strand (G>A on the coding strand, the complement: ABCC6 is on the minus strand). VCF-style: chr16-16163039-C-T. GRCh37 (hg19) VCF-style: chr16-16256896-C-T.
Other names: c.3118G>A, p.Val1040Ile (NM_001351800.1); short protein forms V1154I, V1040I.
Identifiers: ClinVar variation 1486738 (VCV001486738.27), dbSNP rs147794514, ClinGen allele CA7925576.
Genomic context (GRCh38, chr16:16,163,039, plus strand): 5'-CTGGCTCTTCCTACCTGTCAGCCACCAGTCGCGGGAAACTGATCCTCTGGCTTTCATCTA[C>T]GCGAGCATTGTTCTGAGCCACAAAGGGGGCCTGGGTTCGGAATGCCCGGACCACTGTGCT-3'
Protein context (NP_001162.5, residues 1144-1164): APFVAQNNAR[Val1154Ile]DESQRISFPR

ClinVar aggregate classification (germline): Uncertain significance. Review status: criteria provided, multiple submitters, no conflicts (2 of 4 stars). 3 submissions from 3 submitters: Uncertain significance (3). Last evaluated 2024-03-01.

Conditions:
Autosomal recessive inherited pseudoxanthoma elasticum (PXE). Identifiers: Orphanet 758, MedGen CN032334, MONDO:0009925, OMIM 264800.
Pseudoxanthoma elasticum, forme fruste. Also called: Pseudoxanthoma Elasticum, Incomplete; PSEUDOXANTHOMA ELASTICUM, HETEROZYGOUS. Identifiers: Orphanet 758, MedGen C1867450, MONDO:0008333, OMIM 177850.
Arterial calcification, generalized, of infancy, 2. Identifiers: Orphanet 51608, MedGen C3276161, MONDO:0013768, OMIM 614473.

Allele frequency attached by ClinVar (database versions not stated): gnomAD 0.00001; gnomAD exomes 0.00001 and 0.00004; TOPMed 0.00001; ExAC 0.00002; ESP Exome Variant Server 0.00015.
gnomAD v4.1: 21 of 1,613,930 alleles (0.0013%); highest among the groups gnomAD compares: Middle Eastern, 0.016%; no homozygotes.

Submissions (3):

CeGaT Center for Human Genetics Tuebingen
Classification: Uncertain significance. Last evaluated: 2024-03-01. Review status: criteria provided, single submitter. Criteria: CeGaT Center For Human Genetics Tuebingen Variant Classification Criteria Version 2. Collection method: clinical testing. Allele origin: germline. Affected: yes. Observed: 1 variant allele.
Comment: ABCC6: PM2, BP4

Labcorp Genetics (formerly Invitae), Labcorp
Classification: Uncertain significance. Last evaluated: 2022-07-06. Review status: criteria provided, single submitter. Criteria: Invitae Variant Classification Sherloc (09022015). Collection method: clinical testing. Allele origin: germline.
Comment: This sequence change replaces valine, which is neutral and non-polar, with isoleucine, which is neutral and non-polar, at codon 1154 of the ABCC6 protein (p.Val1154Ile). This variant is present in population databases (rs147794514, gnomAD 0.02%). This variant has not been reported in the literature in individuals affected with ABCC6-related conditions. ClinVar contains an entry for this variant (Variation ID: 1486738). Advanced modeling of protein sequence and biophysical properties (such as structural, functional, and spatial information, amino acid conservation, physicochemical variation, residue mobility, and thermodynamic stability) performed at Invitae indicates that this missense variant is not expected to disrupt ABCC6 protein function. In summary, the available evidence is currently insufficient to determine the role of this variant in disease. Therefore, it has been classified as a Variant of Uncertain Significance.

Fulgent Genetics
Classification: Uncertain significance for Pseudoxanthoma elasticum, forme fruste; Autosomal recessive inherited pseudoxanthoma elasticum; Arterial calcification, generalized, of infancy, 2. Last evaluated: 2021-11-10. Review status: criteria provided, single submitter. Criteria: ACMG Guidelines, 2015. Collection method: clinical testing. Allele origin: unknown.